The following is an entry in ClinVar:

ClinVar aggregate classification (germline): Likely benign (0 of 4 stars; one submission).

Conditions:
HOXA13-related disorder. Also called: HOXA13-related condition.

Submission:

PreventionGenetics, part of Exact Sciences
Classification: Likely benign for HOXA13-related condition. Last evaluated: 2024-07-30. Review status: no assertion criteria provided. Collection method: clinical testing. Allele origin: germline.
Comment: This variant is classified as likely benign based on ACMG/AMP sequence variant interpretation guidelines (Richards et al. 2015 PMID: 25741868, with internal and published modifications).

NM_000522.5(HOXA13):c.258G>A (p.Gln86=)

Genes: HOXA13 (homeobox A13; minus strand), LOC107126288 (NUP98-HOXA13 recombination region; plus strand). Cytogenetic location: 7p15.2.
Variant type: single nucleotide variant.
Coding change: c.258G>A on transcript NM_000522.5 (MANE Select); coding-DNA position 258, G replaced by A.
Protein change: p.Gln86=; no amino-acid change (glutamine 86 retained).
Molecular consequence: synonymous variant.
Genome position (GRCh38, 1-based): chr7:27,199,820, C>T on the plus strand (G>A on the coding strand, the complement: HOXA13 is on the minus strand). VCF-style: chr7-27199820-C-T. GRCh37 (hg19) VCF-style: chr7-27239439-C-T.
Identifiers: ClinVar variation 3345293 (VCV003345293.1).